The following is an entry in ClinVar:

NM_015512.5(DNAH1):c.9844G>A (p.Val3282Met)

Gene: DNAH1 (dynein axonemal heavy chain 1; plus strand). Cytogenetic location: 3p21.1.
Variant type: single nucleotide variant.
Coding change: c.9844G>A on transcript NM_015512.5 (MANE Select); coding-DNA position 9844, G replaced by A.
Protein change: p.Val3282Met; replaces valine 3282 with methionine.
Molecular consequence: missense variant.
Genome position (GRCh38, 1-based): chr3:52,391,281, G>A. VCF-style: chr3-52391281-G-A. GRCh37 (hg19) VCF-style: chr3-52425297-G-A.
Other names: short protein forms V3282M.
Identifiers: ClinVar variation 2495838 (VCV002495838.6), dbSNP rs1266001581, ClinGen allele CA353197969.

ClinVar aggregate classification (germline): Uncertain significance. Review status: criteria provided, multiple submitters, no conflicts (2 of 4 stars). 2 submissions from 2 submitters: Uncertain significance (2). Last evaluated 2025-11-08.

Conditions:
Spermatogenic failure 18. Identifiers: MedGen C4539783, MONDO:0054615, OMIM 617576.
Ciliary dyskinesia, primary, 37 (CILD37). Also called: CILIARY DYSKINESIA, PRIMARY, 37, WITH OR WITHOUT SITUS INVERSUS. Identifiers: MedGen C4539798, MONDO:0033204, OMIM 617577.

Allele frequency attached by ClinVar (database versions not stated): gnomAD exomes 0.00001; TOPMed 0.00001.
gnomAD v4.1: 19 of 1,613,140 alleles (0.0012%); highest among the groups gnomAD compares: Middle Eastern, 0.033%; no homozygotes.

Submissions (2):

Ambry Genetics
Classification: Uncertain significance. Last evaluated: 2025-11-08. Review status: criteria provided, single submitter. Criteria: Ambry Variant Classification Scheme 2023. Collection method: clinical testing. Allele origin: germline.

Labcorp Genetics (formerly Invitae), Labcorp
Classification: Uncertain significance for Ciliary dyskinesia, primary, 37; Spermatogenic failure 18. Last evaluated: 2023-11-14. Review status: criteria provided, single submitter. Criteria: Invitae Variant Classification Sherloc (09022015). Collection method: clinical testing. Allele origin: germline.
Comment: This sequence change replaces valine, which is neutral and non-polar, with methionine, which is neutral and non-polar, at codon 3282 of the DNAH1 protein (p.Val3282Met). This variant is not present in population databases (gnomAD no frequency). This variant has not been reported in the literature in individuals affected with DNAH1-related conditions. ClinVar contains an entry for this variant (Variation ID: 2495838). Advanced modeling of protein sequence and biophysical properties (such as structural, functional, and spatial information, amino acid conservation, physicochemical variation, residue mobility, and thermodynamic stability) performed at Invitae indicates that this missense variant is not expected to disrupt DNAH1 protein function with a negative predictive value of 80%. In summary, the available evidence is currently insufficient to determine the role of this variant in disease. Therefore, it has been classified as a Variant of Uncertain Significance.